The following is an entry in ClinVar:

ClinVar aggregate classification (germline): Uncertain significance (1 of 4 stars; one submission).

gnomAD v4.1: 4 of 1,614,006 alleles (0.00025%); highest among the groups gnomAD compares: Admixed American, 0.0017%; no homozygotes.

Submission:

Labcorp Genetics (formerly Invitae), Labcorp
Classification: Uncertain significance. Last evaluated: 2024-06-22. Review status: criteria provided, single submitter. Criteria: Invitae Variant Classification Sherloc (09022015). Collection method: clinical testing. Allele origin: germline.
Comment: This sequence change replaces valine, which is neutral and non-polar, with isoleucine, which is neutral and non-polar, at codon 1399 of the SETD5 protein (p.Val1399Ile). This variant is present in population databases (rs767146470, gnomAD 0.003%). This variant has not been reported in the literature in individuals affected with SETD5-related conditions. Advanced modeling of protein sequence and biophysical properties (such as structural, functional, and spatial information, amino acid conservation, physicochemical variation, residue mobility, and thermodynamic stability) performed at Invitae indicates that this missense variant is not expected to disrupt SETD5 protein function with a negative predictive value of 80%. In summary, the available evidence is currently insufficient to determine the role of this variant in disease. Therefore, it has been classified as a Variant of Uncertain Significance.

NM_001080517.3(SETD5):c.4195G>A (p.Val1399Ile)

Gene: SETD5 (SET domain containing 5; plus strand). Cytogenetic location: 3p25.3.
Variant type: single nucleotide variant.
Coding change: c.4195G>A on transcript NM_001080517.3 (MANE Select); coding-DNA position 4195, G replaced by A.
Protein change: p.Val1399Ile; replaces valine 1399 with isoleucine.
Molecular consequence: missense variant.
Genome position (GRCh38, 1-based): chr3:9,475,957, G>A. VCF-style: chr3-9475957-G-A. GRCh37 (hg19) VCF-style: chr3-9517641-G-A.
Other names: c.3901G>A, p.Val1301Ile (NM_001292043.2, NM_001349451.2); short protein forms V1301I, V1399I.
Identifiers: ClinVar variation 3617020 (VCV003617020.2).